The following is an entry in ClinVar:

ClinVar aggregate classification (germline): Uncertain significance. Review status: criteria provided, multiple submitters, no conflicts (2 of 4 stars). 2 submissions from 2 submitters: Uncertain significance (2). Last evaluated 2025-04-17.

Conditions:
COL6A3-related disorder. Also called: COL6A3-related disorders; COL6A3-related condition.
Bethlem myopathy 1A. Also called: Bethlem myopathy 1; Bethlem Muscular Dystrophy; MYOPATHY, BENIGN CONGENITAL, WITH CONTRACTURES. Identifiers: Orphanet 610, MedGen CN029274, MONDO:0024530, OMIM 158810.

gnomAD v4.1: 9 of 1,614,156 alleles (0.00056%); highest among the groups gnomAD compares: Non-Finnish European, 0.00076%; no homozygotes.

Submissions (2):

PreventionGenetics, part of Exact Sciences
Classification: Uncertain significance for COL6A3-related condition. Last evaluated: 2025-04-17. Review status: criteria provided, single submitter. Criteria: ACMG Guidelines, 2015. Collection method: clinical testing. Allele origin: germline.
Comment: The COL6A3 c.4041G>T variant is predicted to result in the amino acid substitution p.Lys1347Asn. To our knowledge, this variant has not been reported in the literature. This variant is reported in 0.0018% of alleles in individuals of European (Non-Finnish) descent in gnomAD. At this time, the clinical significance of this variant is uncertain due to the absence of conclusive functional and genetic evidence.

Labcorp Genetics (formerly Invitae), Labcorp
Classification: Uncertain significance for Bethlem myopathy 1A. Last evaluated: 2022-02-24. Review status: criteria provided, single submitter. Criteria: Invitae Variant Classification Sherloc (09022015). Collection method: clinical testing. Allele origin: germline.
Comment: In summary, the available evidence is currently insufficient to determine the role of this variant in disease. Therefore, it has been classified as a Variant of Uncertain Significance. Advanced modeling of protein sequence and biophysical properties (such as structural, functional, and spatial information, amino acid conservation, physicochemical variation, residue mobility, and thermodynamic stability) performed at Invitae indicates that this missense variant is not expected to disrupt COL6A3 protein function. ClinVar contains an entry for this variant (Variation ID: 664536). This variant has not been reported in the literature in individuals affected with COL6A3-related conditions. This variant is present in population databases (rs781033908, gnomAD 0.002%). This sequence change replaces lysine, which is basic and polar, with asparagine, which is neutral and polar, at codon 1347 of the COL6A3 protein (p.Lys1347Asn).

NM_004369.4(COL6A3):c.4041G>T (p.Lys1347Asn)

Gene: COL6A3 (collagen type VI alpha 3 chain; minus strand). Cytogenetic location: 2q37.3.
Variant type: single nucleotide variant.
Coding change: c.4041G>T on transcript NM_004369.4 (MANE Select); coding-DNA position 4041, G replaced by T.
Protein change: p.Lys1347Asn; replaces lysine 1347 with asparagine.
Molecular consequence: missense variant.
Genome position (GRCh38, 1-based): chr2:237,371,976, C>A on the plus strand (G>T on the coding strand, the complement: COL6A3 is on the minus strand). VCF-style: chr2-237371976-C-A. GRCh37 (hg19) VCF-style: chr2-238280619-C-A.
Other names: c.2820G>T, p.Lys940Asn (NM_057164.5); c.3423G>T, p.Lys1141Asn (NM_057165.5, NM_057167.4); c.2220G>T, p.Lys740Asn (NM_057166.5); short protein forms K940N, K1141N, K1347N, K740N.
Identifiers: ClinVar variation 664536 (VCV000664536.10), dbSNP rs781033908, ClinGen allele CA2189012.